The following is an entry in ClinVar:

NM_000102.4(CYP17A1):c.361T>A (p.Trp121Arg)

Gene: CYP17A1 (cytochrome P450 family 17 subfamily A member 1; minus strand). Cytogenetic location: 10q24.32.
Variant type: single nucleotide variant.
Coding change: c.361T>A on transcript NM_000102.4 (MANE Select); coding-DNA position 361, T replaced by A.
Protein change: p.Trp121Arg; replaces tryptophan 121 with arginine.
Molecular consequence: missense variant.
Genome position (GRCh38, 1-based): chr10:102,835,329, A>T on the plus strand (T>A on the coding strand, the complement: CYP17A1 is on the minus strand). VCF-style: chr10-102835329-A-T. GRCh37 (hg19) VCF-style: chr10-104595086-A-T.
Other names: short protein forms W121R.
Identifiers: ClinVar variation 3233937 (VCV003233937.2), dbSNP rs2493243148, ClinGen allele CA377940414.

ClinVar aggregate classification (germline): Uncertain significance (1 of 4 stars; one submission).

Submission:

Women's Health and Genetics/Laboratory Corporation of America, LabCorp
Classification: Uncertain significance. Last evaluated: 2024-03-15. Review status: criteria provided, single submitter. Criteria: LabCorp Variant Classification Summary - May 2015. Collection method: clinical testing. Allele origin: germline.
Comment: Variant summary: CYP17A1 c.361T>A (p.Trp121Arg) results in a non-conservative amino acid change in the encoded protein sequence. Five of five in-silico tools predict a damaging effect of the variant on protein function. The variant was absent in 251468 control chromosomes. The available data on variant occurrences in the general population are insufficient to allow any conclusion about variant significance. To our knowledge, no occurrence of c.361T>A in individuals affected with Congenital Adrenal Hyperplasia has been reported. However, the same missense change resulting from a different nucleotide change (c.361T>C; p.Trp121Arg) has been reported in the compound heterozygous state with a truncating variant in one individual with a mild phenotype of CYP17A1 deficiency (PMID: 25650406). In vitro functional analysis of the variant detected in that individual indicates that it results in deficient 17alpha-hydroxylase activity (approximately 60.5% of wild-type) and deficient 17,20-lyase activity (approximately 15.8% of wild-type) (PMID: 25650406). However, whereas the tested c.361T>C change is predicted by in silico splice tools to have no effect on splicing, the c.361T>A change is predicted by 2/2 tools to create a cryptic 3' splice acceptor site. Thus, the functional consequences of these two variants may not be completely comparable given their difference in predicted splice effects. No submitters have cited clinical-significance assessments for this variant to ClinVar. Based on the evidence outlined above, the variant was classified as uncertain significance.